The following is an entry in ClinVar:

NM_004369.4(COL6A3):c.862G>A (p.Asp288Asn)

Gene: COL6A3 (collagen type VI alpha 3 chain; minus strand). Cytogenetic location: 2q37.3.
Variant type: single nucleotide variant.
Coding change: c.862G>A on transcript NM_004369.4 (MANE Select); coding-DNA position 862, G replaced by A.
Protein change: p.Asp288Asn; replaces aspartic acid 288 with asparagine.
Molecular consequence: missense variant. On other transcripts: intron variant (2).
Genome position (GRCh38, 1-based): chr2:237,388,032, C>T on the plus strand (G>A on the coding strand, the complement: COL6A3 is on the minus strand). VCF-style: chr2-237388032-C-T. GRCh37 (hg19) VCF-style: chr2-238296675-C-T.
Other names: c.244G>A, p.Asp82Asn (NM_057165.5, NM_057167.4); c.92-6533G>A (NM_057166.5, NM_057164.5); short protein forms D82N.
Identifiers: ClinVar variation 95007 (VCV000095007.20), dbSNP rs115729513, ClinGen allele CA222668.

ClinVar aggregate classification (germline): Conflicting classifications of pathogenicity. Review status: criteria provided, conflicting classifications (1 of 4 stars). 4 submissions from 4 submitters: Uncertain significance (2); Benign (1); Likely benign (1). Last evaluated 2025-09-23.

Conditions:
Collagen 6-related myopathy. Identifiers: MedGen CN117976, MONDO:0100225.
Bethlem myopathy 1A. Also called: MYOPATHY, BENIGN CONGENITAL, WITH CONTRACTURES; Bethlem myopathy 1; Bethlem Muscular Dystrophy. Identifiers: Orphanet 610, MedGen CN029274, MONDO:0024530, OMIM 158810.

Allele frequency attached by ClinVar (database versions not stated): gnomAD 0.00009 and 0.00015; TOPMed 0.00037; ESP Exome Variant Server 0.00008; gnomAD exomes 0.00027; ExAC 0.00028; 1000 Genomes Project 30x 0.00078; 1000 Genomes Project 0.00100.
gnomAD v4.1: 174 of 1,614,170 alleles (0.011%); highest among the groups gnomAD compares: East Asian, 0.29%; no homozygotes.

Submissions (4):

Labcorp Genetics (formerly Invitae), Labcorp
Classification: Likely benign for Bethlem myopathy 1A. Last evaluated: 2025-09-23. Review status: criteria provided, single submitter. Criteria: Invitae Variant Classification Sherloc (09022015). Collection method: clinical testing. Allele origin: germline.

Genetic Services Laboratory, University of Chicago
Classification: Uncertain significance. Last evaluated: 2018-04-20. Review status: criteria provided, single submitter. Criteria: ACMG Guidelines, 2015. Collection method: clinical testing. Allele origin: germline. Affected: no.

Illumina Laboratory Services, Illumina
Classification: Benign for Collagen VI-related myopathy. Last evaluated: 2018-01-12. Review status: criteria provided, single submitter. Criteria: ICSL Variant Classification Criteria 13 December 2019. Collection method: clinical testing. Allele origin: germline.
Comment: This variant was observed in the ICSL laboratory as part of a predisposition screen in an ostensibly healthy population. It had not been previously curated by ICSL or reported in the Human Gene Mutation Database (HGMD: prior to June 1st, 2018), and was therefore a candidate for classification through an automated scoring system. Utilizing variant allele frequency, disease prevalence and penetrance estimates, and inheritance mode, an automated score was calculated to assess if this variant is too frequent to cause the disease. Based on the score and internal cut-off values, a variant classified as benign is not then subjected to further curation. The score for this variant resulted in a classification of benign for this disease.

Eurofins Ntd Llc (ga)
Classification: Uncertain significance. Last evaluated: 2013-04-12. Review status: criteria provided, single submitter. Criteria: EGL Classification Definitions 2015. Collection method: clinical testing. Allele origin: germline. Observed: 2 variant alleles, 2 heterozygotes.